The following is an entry in ClinVar:

ClinVar aggregate classification (germline): Uncertain significance (1 of 4 stars; one submission).

Allele frequency attached by ClinVar (database versions not stated): gnomAD exomes below 0.00001; ExAC 0.00001; TOPMed 0.00002; gnomAD 0.00003.
gnomAD v4.1: 7 of 1,613,946 alleles (0.00043%); highest among the groups gnomAD compares: African/African-American, 0.0067%; no homozygotes.

Submission:

Labcorp Genetics (formerly Invitae), Labcorp
Classification: Uncertain significance. Last evaluated: 2023-06-23. Review status: criteria provided, single submitter. Criteria: Invitae Variant Classification Sherloc (09022015). Collection method: clinical testing. Allele origin: germline.
Comment: Algorithms developed to predict the effect of missense changes on protein structure and function output the following: SIFT: "Not Available"; PolyPhen-2: "Benign"; Align-GVGD: "Not Available". The serine amino acid residue is found in multiple mammalian species, which suggests that this missense change does not adversely affect protein function. In summary, the available evidence is currently insufficient to determine the role of this variant in disease. Therefore, it has been classified as a Variant of Uncertain Significance. ClinVar contains an entry for this variant (Variation ID: 1414272). This variant has not been reported in the literature in individuals affected with TFRC-related conditions. This variant is present in population databases (rs769424131, gnomAD 0.008%). This sequence change replaces proline, which is neutral and non-polar, with serine, which is neutral and polar, at codon 107 of the TFRC protein (p.Pro107Ser).

NM_001128148.3(TFRC):c.319C>T (p.Pro107Ser)

Gene: TFRC (transferrin receptor; minus strand). Cytogenetic location: 3q29.
Variant type: single nucleotide variant.
Coding change: c.319C>T on transcript NM_001128148.3 (MANE Select); coding-DNA position 319, C replaced by T.
Protein change: p.Pro107Ser; replaces proline 107 with serine.
Molecular consequence: missense variant. On other transcripts: intron variant (1).
Genome position (GRCh38, 1-based): chr3:196,074,045, G>A on the plus strand (C>T on the coding strand, the complement: TFRC is on the minus strand). VCF-style: chr3-196074045-G-A. GRCh37 (hg19) VCF-style: chr3-195800916-G-A.
Other names: c.76C>T, p.Pro26Ser (NM_001313965.2); c.319C>T, p.Pro107Ser (NM_003234.4); c.-412-1893C>T (NM_001313966.2); short protein forms P26S, P107S.
Identifiers: ClinVar variation 1414272 (VCV001414272.8), dbSNP rs769424131, ClinGen allele CA2778331.